The following is an entry in ClinVar:

NM_001282426.2(PIK3CG):c.981T>C (p.Asp327=)

Gene: PIK3CG (phosphatidylinositol-4,5-bisphosphate 3-kinase catalytic subunit gamma; plus strand). Cytogenetic location: 7q22.3.
Variant type: single nucleotide variant.
Coding change: c.981T>C on transcript NM_001282426.2 (MANE Select); coding-DNA position 981, T replaced by C.
Protein change: p.Asp327=; no amino-acid change (aspartic acid 327 retained).
Molecular consequence: synonymous variant.
Genome position (GRCh38, 1-based): chr7:106,868,542, T>C. VCF-style: chr7-106868542-T-C. GRCh37 (hg19) VCF-style: chr7-106508987-T-C.
Other names: c.981T>C, p.Asp327= (NM_001282427.2, NM_002649.3).
Identifiers: ClinVar variation 2688531 (VCV002688531.3), dbSNP rs849390, ClinGen allele CA4429285.

ClinVar aggregate classification (germline): Benign. Review status: criteria provided, multiple submitters, no conflicts (2 of 4 stars). 2 submissions from 2 submitters: Benign (2). Last evaluated 2026-01-21.

Allele frequency attached by ClinVar (database versions not stated): ESP Exome Variant Server 0.91873; TOPMed 0.92592; gnomAD 0.92963; 1000 Genomes Project 30x 0.93926; 1000 Genomes Project 0.94089; ExAC 0.95017; gnomAD exomes 0.95164.
gnomAD v4.1: 1,532,219 of 1,613,764 alleles (95%); highest among the groups gnomAD compares: East Asian, 100%; 727,896 homozygotes.

Submissions (2):

Women's Health and Genetics/Laboratory Corporation of America, LabCorp
Classification: Benign. Last evaluated: 2026-01-21. Review status: criteria provided, single submitter. Criteria: LabCorp Variant Classification Summary - May 2015. Collection method: clinical testing. Allele origin: germline.

Unidad de Genómica Garrahan, Hospital de Pediatría Garrahan
Classification: Benign. Last evaluated: 2024-01-24. Review status: criteria provided, single submitter. Criteria: ACMG Guidelines, 2015. Collection method: clinical testing. Allele origin: germline. Affected: no. Observed: 88 variant alleles.
Comment: This variant is classified as Benign based on local population frequency. This variant was detected in 100% of patients studied by a panel of primary immunodeficiencies. Number of patients: 88. Only high quality variants are reported.